The following is an entry in ClinVar:

NM_024700.4(SNIP1):c.1158_1163del (p.384DE[1])

Gene: SNIP1 (Smad nuclear interacting protein 1; minus strand). Cytogenetic location: 1p34.3.
Variant type: Deletion.
Coding change: c.1158_1163del on transcript NM_024700.4 (MANE Select); coding-DNA positions 1158 to 1163, 6 bases deleted (TGAGGA; older notation c.1158_1163delTGAGGA).
Protein change: p.384DE[1].
Molecular consequence: inframe deletion.
Genome position (GRCh38, 1-based): chr1:37,537,776-37,537,781, TCCTCA deleted on the plus strand (TGAGGA on the coding strand, the reverse complement: SNIP1 is on the minus strand); deleting any 6 consecutive bases within chr1:37,537,776-37,537,786 gives the same sequence; the c. name uses the placement nearest the transcript's 3' end. VCF-style (leftmost placement, unchanged base first): chr1-37537775-CTCCTCA-C. GRCh37 (hg19) VCF-style: chr1-38003376-CTCCTCA-C.
Identifiers: ClinVar variation 1507459 (VCV001507459.8), dbSNP rs758692166, ClinGen allele CA20807542.
Genomic context (GRCh38, chr1:37,537,775, plus strand): 5'-AACCGTGTATCAATAGTTTGGGTTCTTAGTTTGCTAGCTGTCAGACACTTCTTCCTCCTC[CTCCTCA>C]TCCTCGTCATCTTTCCTGTCTATTTCAGAAGTGTCCGACGACTCATGGAGCAAGACGTAT-3'

ClinVar aggregate classification (germline): Uncertain significance (1 of 4 stars; one submission).

Submission:

Labcorp Genetics (formerly Invitae), Labcorp
Classification: Uncertain significance. Last evaluated: 2022-06-13. Review status: criteria provided, single submitter. Criteria: Invitae Variant Classification Sherloc (09022015). Collection method: clinical testing. Allele origin: germline.
Comment: Experimental studies and prediction algorithms are not available or were not evaluated, and the functional significance of this variant is currently unknown. In summary, the available evidence is currently insufficient to determine the role of this variant in disease. Therefore, it has been classified as a Variant of Uncertain Significance. This variant is not present in population databases (gnomAD no frequency). This variant, c.1158_1163del, results in the deletion of 2 amino acid(s) of the SNIP1 protein (p.Asp386_Glu387del), but otherwise preserves the integrity of the reading frame. This variant has not been reported in the literature in individuals affected with SNIP1-related conditions.